The following is an entry in ClinVar:

NM_000540.3(RYR1):c.12532G>A (p.Gly4178Ser)

Gene: RYR1 (ryanodine receptor 1; plus strand). Cytogenetic location: 19q13.2.
Variant type: single nucleotide variant.
Coding change: c.12532G>A on transcript NM_000540.3 (MANE Select); coding-DNA position 12532, G replaced by A.
Protein change: p.Gly4178Ser; replaces glycine 4178 with serine.
Molecular consequence: missense variant.
Genome position (GRCh38, 1-based): chr19:38,561,362, G>A. VCF-style: chr19-38561362-G-A. GRCh37 (hg19) VCF-style: chr19-39052002-G-A.
Other names: NM_000540.2(RYR1):c.12532G>A; p.Gly4178Ser; c.12517G>A, p.Gly4173Ser (NM_001042723.2); short protein forms G4178S, G4173S.
Identifiers: ClinVar variation 374083 (VCV000374083.16), dbSNP rs1057518885, ClinGen allele CA16043557.

ClinVar aggregate classification (germline): Uncertain significance. Review status: reviewed by expert panel (3 of 4 stars). 3 submissions from 3 submitters: Uncertain significance (1). 2 of the submissions do not count toward it. Last evaluated 2025-08-01.

Conditions:
RYR1-related disorder. Also called: RYR1-related condition; RYR1-related disorders. Identifiers: MedGen CN239331.
Malignant hyperthermia of anesthesia. Also called: Anesthesic-triggered malignant hyperthermia. Identifiers: Orphanet 423, MedGen C0024591, MONDO:0018493, HP:0034733.
Malignant hyperthermia, susceptibility to, 1 (MHS1). Also called: Pharmacogenic myopathy; Malignant hyperthermia suceptibility 1; Anesthesia related hyperthermia; Malignant hyperpyrexia; Fulminating hyperpyrexia; RYR1-Related Malignant Hyperthermia Susceptibility. Identifiers: Orphanet 423, MedGen C2930980, MONDO:0007783, OMIM 145600.

Submissions (3):

ClinGen Malignant Hyperthermia Susceptibility Variant Curation Expert Panel, ClinGen
Classification: Uncertain significance for Malignant hyperthermia, susceptibility to, 1. Last evaluated: 2025-08-01. Review status: reviewed by expert panel. Criteria: ClinGen MHS ACMG Specifications V2. Collection method: curation. Allele origin: germline. Inheritance: Autosomal dominant inheritance.
Comment: This pathogenicity assessment is relevant only for malignant hyperthermia susceptibility (MHS) inherited in an autosomal dominant pattern. Variants in RYR1 can also cause other myopathies inherited in an autosomal dominant pattern or in an autosomal recessive pattern. Some of these disorders may predispose individuals to malignant hyperthermia. RYR1 variants may also contribute to a malignant hyperthermia reaction in combination with other genetic and non-genetic factors and the clinician needs to consider such factors in making management decisions. This sequence variant predicts a substitution of glycine with serine at codon 4178 of the RYR1 protein, p.(Gly4178Ser). This variant was not present in a large population database (gnomAD) at the time this variant was interpreted. This variant has been reported in an individual with a personal or family history of an MH episode and a positive in vitro contracture test (IVCT) or caffeine halothane contracture test (CHCT) result (if the proband was unavailable for testing, a positive diagnostic test result in a mutation-positive relative was counted), PS4_Supporting (PMID: 24433488). No functional studies were identified for this variant. This variant does not reside in a hotspot for pathogenic variants that contribute to MHS. A REVEL score >0.85 (0.979) supports a pathogenic status for this variant, PP3_Moderate. This variant has been classified as a Variant of Unknown Significance. Criteria implemented: PS4_Supporting, PP3_Moderate.

Labcorp Genetics (formerly Invitae), Labcorp
Classification: Pathogenic for RYR1-related disorder. Last evaluated: 2020-01-06. Review status: criteria provided, single submitter. Criteria: Invitae Variant Classification Sherloc (09022015). Collection method: clinical testing. Allele origin: germline. Not counted in ClinVar's aggregate classification.
Comment: Advanced modeling of protein sequence and biophysical properties (such as structural, functional, and spatial information, amino acid conservation, physicochemical variation, residue mobility, and thermodynamic stability) performed at Invitae indicates that this missense variant is expected to disrupt RYR1 protein function. This missense change is located in a region of the RYR1 protein where a significant number of previously reported RYR1 missense mutations are found (PMID: 16084090). These observations suggest that this may be a clinically significant region of the protein. For these reasons, this variant has been classified as Pathogenic. This sequence change replaces glycine with serine at codon 4178 of the RYR1 protein (p.Gly4178Ser). The glycine residue is moderately conserved and there is a small physicochemical difference between glycine and serine. This variant is not present in population databases (ExAC no frequency). This variant has been observed in individual(s) with malignant hyperthermia (PMID: 24433488). ClinVar contains an entry for this variant (Variation ID: 374083).

Centre for Mendelian Genomics, University Medical Centre Ljubljana
Classification: Likely pathogenic for Malignant hyperthermia. Last evaluated: 2015-07-21. Review status: flagged submission. Criteria: ACMG Guidelines, 2015. Collection method: clinical testing. Allele origin: unknown. Affected: yes. Not counted in ClinVar's aggregate classification.
ClinVar note: Reason: Conflicts with expert reviewed submission without evidence to support different classification

Literature cited by the submitters: PubMed 16084090 (cited by Labcorp Genetics (formerly Invitae), Labcorp); PubMed 24433488 (cited by Labcorp Genetics (formerly Invitae), Labcorp).